The following is an entry in ClinVar:

ClinVar aggregate classification (germline): Uncertain significance. Review status: criteria provided, multiple submitters, no conflicts (2 of 4 stars). 2 submissions from 2 submitters: Uncertain significance (2). Last evaluated 2025-11-10.

Conditions:
Gorlin syndrome. Also called: Nevoid Basal Cell Carcinoma Syndrome; Basal cell nevus syndrome. Identifiers: Orphanet 377, MedGen C0004779, MONDO:0007187.
Hereditary cancer-predisposing syndrome. Also called: Hereditary neoplastic syndrome; Tumor predisposition; Neoplastic Syndromes, Hereditary; Hereditary Cancer Syndrome. Identifiers: Orphanet 140162, MedGen C0027672, MeSH D009386, MONDO:0015356.

Allele frequency attached by ClinVar (database versions not stated): gnomAD exomes below 0.00001.
gnomAD v4.1: 2 of 1,614,180 alleles (0.00012%); highest among the groups gnomAD compares: Admixed American, 0.0017%; no homozygotes.

Submissions (2):

Labcorp Genetics (formerly Invitae), Labcorp
Classification: Uncertain significance for Gorlin syndrome. Last evaluated: 2025-11-10. Review status: criteria provided, single submitter. Criteria: Invitae Variant Classification Sherloc (09022015). Collection method: clinical testing. Allele origin: germline.
Comment: This sequence change replaces valine, which is neutral and non-polar, with phenylalanine, which is neutral and non-polar, at codon 407 of the PTCH1 protein (p.Val407Phe). This variant is not present in population databases (gnomAD no frequency). This variant has not been reported in the literature in individuals affected with PTCH1-related conditions. ClinVar contains an entry for this variant (Variation ID: 2449643). Invitae Evidence Modeling of protein sequence and biophysical properties (such as structural, functional, and spatial information, amino acid conservation, physicochemical variation, residue mobility, and thermodynamic stability) has been performed for this missense variant. However, the output from this modeling did not meet the statistical confidence thresholds required to predict the impact of this variant on PTCH1 protein function. In summary, the available evidence is currently insufficient to determine the role of this variant in disease. Therefore, it has been classified as a Variant of Uncertain Significance.

Ambry Genetics
Classification: Uncertain significance for Hereditary cancer-predisposing syndrome. Last evaluated: 2025-09-09. Review status: criteria provided, single submitter. Criteria: Ambry Variant Classification Scheme 2023. Collection method: clinical testing. Allele origin: germline.
Comment: The p.V407F variant (also known as c.1219G>T), located in coding exon 9 of the PTCH1 gene, results from a G to T substitution at nucleotide position 1219. The valine at codon 407 is replaced by phenylalanine, an amino acid with highly similar properties. This amino acid position is conserved. In addition, this alteration is predicted to be deleterious by in silico analysis. Based on the available evidence, the clinical significance of this variant remains unclear.

NM_000264.5(PTCH1):c.1219G>T (p.Val407Phe)

Gene: PTCH1 (patched 1; minus strand). Cytogenetic location: 9q22.32.
Variant type: single nucleotide variant.
Coding change: c.1219G>T on transcript NM_000264.5 (MANE Select); coding-DNA position 1219, G replaced by T.
Protein change: p.Val407Phe; replaces valine 407 with phenylalanine.
Molecular consequence: missense variant. On other transcripts: non-coding transcript variant (1).
Genome position (GRCh38, 1-based): chr9:95,478,183, C>A on the plus strand (G>T on the coding strand, the complement: PTCH1 is on the minus strand). VCF-style: chr9-95478183-C-A. GRCh37 (hg19) VCF-style: chr9-98240465-C-A.
Other names: c.1021G>T, p.Val341Phe (NM_001083602.3); c.1216G>T, p.Val406Phe (NM_001083603.3); c.766G>T, p.Val256Phe (NM_001083604.3, NM_001083605.3, NM_001083606.3 and 1 more transcripts); c.1219G>T, p.Val407Phe (NM_001354918.2); short protein forms V256F, V406F, V341F, V407F.
Identifiers: ClinVar variation 2449643 (VCV002449643.6), dbSNP rs2118339916, ClinGen allele CA374119007.